The following is an entry in ClinVar:

ClinVar aggregate classification (germline): Uncertain significance (1 of 4 stars; one submission).

Submission:

Mayo Clinic Laboratories, Mayo Clinic
Classification: Uncertain significance. Last evaluated: 2024-05-01. Review status: criteria provided, single submitter. Criteria: ACMG Guidelines, 2015. Collection method: clinical testing. Allele origin: germline. Observed: 1 variant allele.
Comment: BP4

NM_015268.4(DNAJC13):c.3484A>G (p.Ile1162Val)

Gene: DNAJC13 (DnaJ heat shock protein family (Hsp40) member C13; plus strand). Cytogenetic location: 3q22.1.
Variant type: single nucleotide variant.
Coding change: c.3484A>G on transcript NM_015268.4 (MANE Select); coding-DNA position 3484, A replaced by G.
Protein change: p.Ile1162Val; replaces isoleucine 1162 with valine.
Molecular consequence: missense variant.
Genome position (GRCh38, 1-based): chr3:132,490,912, A>G. VCF-style: chr3-132490912-A-G. GRCh37 (hg19) VCF-style: chr3-132209756-A-G.
Other names: p.Ile1162Val; c.3499A>G, p.Ile1167Val (NM_001329126.2); short protein forms I1162V, I1167V.
Identifiers: ClinVar variation 3379493 (VCV003379493.1).
Genomic context (GRCh38, chr3:132,490,912, plus strand): 5'-AACTTTAGTGTTTTTGACTACCTTTTGTTTTGTTTTGTTTTGAAGACAAAAGGACAAGAT[A>G]TTTTTCAGAGAAGTATACTTGGGCACATTCTACCTGAAGCAATGGTTTGTTACTTAGAAA-3'
Protein context (NP_056083.3, residues 1152-1172): FKSEETKGQD[Ile1162Val]FQRSILGHIL